The following is an entry in ClinVar:

ClinVar aggregate classification (germline): Conflicting classifications of pathogenicity. Review status: criteria provided, conflicting classifications (1 of 4 stars). 8 submissions from 8 submitters: Uncertain significance (5); Likely benign (3). Last evaluated 2025-07-21.

Conditions:
Hereditary cancer-predisposing syndrome. Also called: Hereditary neoplastic syndrome; Neoplastic Syndromes, Hereditary; Tumor predisposition; Hereditary Cancer Syndrome. Identifiers: Orphanet 140162, MedGen C0027672, MeSH D009386, MONDO:0015356.
Hereditary breast ovarian cancer syndrome. Also called: Hereditary breast and ovarian cancer syndrome (HBOC); Breast and ovarian cancer; Hereditary breast and ovarian cancer syndrome; Hereditary breast and ovarian cancer; Hereditary breast and/or ovarian cancer syndrome; BRCA1- and BRCA2-Associated Hereditary Breast and Ovarian Cancer. Identifiers: Orphanet 145, MedGen C0677776, MeSH D061325, MONDO:0003582. Disease mechanism: loss of function.
Breast-ovarian cancer, familial, susceptibility to, 2 (BROVCA2). Also called: BRCA2 Hereditary Breast and Ovarian Cancer. Identifiers: Orphanet 145, MedGen C2675520, MONDO:0012933, OMIM 612555. Disease mechanism: loss of function.

Allele frequency attached by ClinVar (database versions not stated): gnomAD exomes below 0.00001 and 0.00001; ExAC 0.00002.
gnomAD v4.1: 4 of 1,606,692 alleles (0.00025%); highest among the groups gnomAD compares: South Asian, 0.0011%; no homozygotes.

Submissions (8):

Myriad Genetics, Inc.
Classification: Likely benign for Breast-ovarian cancer, familial, susceptibility to, 2. Last evaluated: 2025-07-21. Review status: criteria provided, single submitter. Criteria: Myriad Autosomal Dominant, Autosomal Recessive and X-Linked Classification Criteria (2023). Collection method: clinical testing. Allele origin: unknown.
Comment: This variant is considered likely benign. This variant is strongly associated with less severe personal and family histories of cancer, typical for individuals without pathogenic variants in this gene [PMID: 25085752].

Labcorp Genetics (formerly Invitae), Labcorp
Classification: Uncertain significance for Hereditary breast ovarian cancer syndrome. Last evaluated: 2025-02-27. Review status: criteria provided, single submitter. Criteria: Invitae Variant Classification Sherloc (09022015). Collection method: clinical testing. Allele origin: germline.
Comment: This sequence change replaces lysine, which is basic and polar, with asparagine, which is neutral and polar, at codon 817 of the BRCA2 protein (p.Lys817Asn). This variant is present in population databases (rs767686668, gnomAD 0.002%). This missense change has been observed in individual(s) with clinical features of BRCA2-related conditions (PMID: 34541275). ClinVar contains an entry for this variant (Variation ID: 481190). Invitae Evidence Modeling of protein sequence and biophysical properties (such as structural, functional, and spatial information, amino acid conservation, physicochemical variation, residue mobility, and thermodynamic stability) indicates that this missense variant is not expected to disrupt BRCA2 protein function with a negative predictive value of 95%. In summary, the available evidence is currently insufficient to determine the role of this variant in disease. Therefore, it has been classified as a Variant of Uncertain Significance.

ARUP Laboratories, Molecular Genetics and Genomics, ARUP Laboratories
Classification: Likely benign. Last evaluated: 2025-01-02. Review status: criteria provided, single submitter. Criteria: ARUP Molecular Germline Variant Investigation Process 2024. Collection method: clinical testing. Allele origin: germline.

Ambry Genetics
Classification: Uncertain significance for Hereditary cancer-predisposing syndrome. Last evaluated: 2024-08-19. Review status: criteria provided, single submitter. Criteria: Ambry Variant Classification Scheme 2023. Collection method: clinical testing. Allele origin: germline.
Comment: The p.K817N variant (also known as c.2451G>T), located in coding exon 10 of the BRCA2 gene, results from a G to T substitution at nucleotide position 2451. The lysine at codon 817 is replaced by asparagine, an amino acid with similar properties. This amino acid position is poorly conserved in available vertebrate species. In addition, this alteration is predicted to be tolerated by in silico analysis. Since supporting evidence is limited at this time, the clinical significance of this alteration remains unclear.

University of Washington Department of Laboratory Medicine, University of Washington
Classification: Likely benign for Hereditary cancer-predisposing syndrome. Last evaluated: 2023-03-23. Review status: criteria provided, single submitter. Criteria: Dines et al. (Genet Med. 2020). Collection method: curation. Allele origin: germline.
Comment: Missense variant in a coldspot region where missense variants are very unlikely to be pathogenic (PMID:31911673).

BRCA2 exon 11 coldspot. Reclassification based on statistical prior probability.

Women's Health and Genetics/Laboratory Corporation of America, LabCorp
Classification: Uncertain significance. Last evaluated: 2022-05-16. Review status: criteria provided, single submitter. Criteria: LabCorp Variant Classification Summary - May 2015. Collection method: clinical testing. Allele origin: germline.
Comment: Variant summary: BRCA2 c.2451G>T (p.Lys817Asn) results in a non-conservative amino acid change in the encoded protein sequence. Four of five in-silico tools predict a benign effect of the variant on protein function. The variant allele was found at a frequency of 8.2e-06 in 243484 control chromosomes. The available data on variant occurrences in the general population are insufficient to allow any conclusion about variant significance. c.2451G>T has been reported in the literature in colorectal cancer cell lines (Ikediobi_2006, Mouradov_2014) and together with other BRCA2 and POLE variants of uncertain significance in a tumor from an individual with mixed endometrial and ovarian cancer (Villy_2021). These reports do not provide unequivocal conclusions about association of the variant with Hereditary Breast And Ovarian Cancer Syndrome. To our knowledge, no experimental evidence demonstrating an impact on protein function has been reported. Four clinical diagnostic laboratories have submitted clinical-significance assessments for this variant to ClinVar after 2014 without evidence for independent evaluation. All laboratories classified the variant as uncertain significance. Based on the evidence outlined above, the variant was classified as uncertain significance.

GeneDx
Classification: Uncertain significance. Last evaluated: 2019-09-05. Review status: criteria provided, single submitter. Criteria: GeneDx Variant Classification Process June 2021. Collection method: clinical testing. Allele origin: germline. Affected: yes.
Comment: Not observed at a significant frequency in large population cohorts (Lek 2016); In silico analysis, which includes protein predictors and evolutionary conservation, supports a deleterious effect; Has not been previously published as pathogenic or benign to our knowledge; This variant is associated with the following publications: (PMID: 24755471, 17088437)

Quest Diagnostics Nichols Institute San Juan Capistrano
Classification: Uncertain significance. Last evaluated: 2018-06-14. Review status: criteria provided, single submitter. Criteria: Quest Diagnostics criteria. Collection method: clinical testing. Allele origin: germline.

Literature cited by the submitters: PubMed 25085752 (cited by Myriad Genetics, Inc.); PubMed 34541275 (cited by Labcorp Genetics (formerly Invitae), Labcorp and Women's Health and Genetics/Laboratory Corporation of America, LabCorp); PubMed 17088437 (cited by Women's Health and Genetics/Laboratory Corporation of America, LabCorp); PubMed 24755471 (cited by Women's Health and Genetics/Laboratory Corporation of America, LabCorp).

NM_000059.4(BRCA2):c.2451G>T (p.Lys817Asn)

Gene: BRCA2 (BRCA2 DNA repair associated; plus strand). Cytogenetic location: 13q13.1.
Variant type: single nucleotide variant.
Coding change: c.2451G>T on transcript NM_000059.4 (MANE Select); coding-DNA position 2451, G replaced by T.
Protein change: p.Lys817Asn; replaces lysine 817 with asparagine.
Molecular consequence: missense variant.
Genome position (GRCh38, 1-based): chr13:32,336,806, G>T. VCF-style: chr13-32336806-G-T. GRCh37 (hg19) VCF-style: chr13-32910943-G-T.
Other names: short protein forms K817N.
Identifiers: ClinVar variation 481190 (VCV000481190.25), dbSNP rs767686668, ClinGen allele CA6940605.
Genomic context (GRCh38, chr13:32,336,806, plus strand): 5'-GCTCAAAGGTAACAATTATGAATCTGATGTTGAATTAACCAAAAATATTCCCATGGAAAA[G>T]AATCAAGATGTATGTGCTTTAAATGAAAATTATAAAAACGTTGAGCTGTTGCCACCTGAA-3'
Protein context (NP_000050.3, residues 807-827): VELTKNIPME[Lys817Asn]NQDVCALNEN